The following is an entry in ClinVar:

ClinVar aggregate classification (germline): Likely benign. Review status: criteria provided, multiple submitters, no conflicts (2 of 4 stars). 2 submissions from 2 submitters: Likely benign (2). Last evaluated 2024-10-03.

Allele frequency attached by ClinVar (database versions not stated): ESP Exome Variant Server 0.00016; gnomAD 0.00020; ExAC 0.00021; TOPMed 0.00022; gnomAD exomes 0.00030.
gnomAD v4.1: 460 of 1,604,580 alleles (0.029%); highest among the groups gnomAD compares: Non-Finnish European, 0.036%; no homozygotes.

Submissions (2):

Blueprint Genetics
Classification: Likely benign. Last evaluated: 2024-10-03. Review status: criteria provided, single submitter. Criteria: ACMG Guidelines, 2015. Collection method: clinical testing. Allele origin: germline.

CeGaT Center for Human Genetics Tuebingen
Classification: Likely benign. Last evaluated: 2022-06-01. Review status: criteria provided, single submitter. Criteria: CeGaT Center For Human Genetics Tuebingen Variant Classification Criteria Version 2. Collection method: clinical testing. Allele origin: germline. Affected: yes. Observed: 1 variant allele.
Comment: ABCA2: BP4, BP7

NM_001606.5(ABCA2):c.6312C>T (p.Asp2104=)

Gene: ABCA2 (ATP binding cassette subfamily A member 2; minus strand). Cytogenetic location: 9q34.3.
Variant type: single nucleotide variant.
Coding change: c.6312C>T on transcript NM_001606.5 (MANE Select); coding-DNA position 6312, C replaced by T.
Protein change: p.Asp2104=; no amino-acid change (aspartic acid 2104 retained).
Molecular consequence: synonymous variant.
Genome position (GRCh38, 1-based): chr9:137,010,234, G>A on the plus strand (C>T on the coding strand, the complement: ABCA2 is on the minus strand). VCF-style: chr9-137010234-G-A. GRCh37 (hg19) VCF-style: chr9-139904686-G-A.
Other names: c.6309C>T, p.Asp2103= (NM_001411042.1); c.6402C>T, p.Asp2134= (NM_212533.3).
Identifiers: ClinVar variation 2659766 (VCV002659766.25), dbSNP rs201928308, ClinGen allele CA5353653.